The following is an entry in ClinVar:

NM_177438.3(DICER1):c.1556C>T (p.Thr519Ile)

Gene: DICER1 (dicer 1, ribonuclease III; minus strand). Cytogenetic location: 14q32.13.
Variant type: single nucleotide variant.
Coding change: c.1556C>T on transcript NM_177438.3 (MANE Select); coding-DNA position 1556, C replaced by T.
Protein change: p.Thr519Ile; replaces threonine 519 with isoleucine.
Molecular consequence: missense variant.
Genome position (GRCh38, 1-based): chr14:95,116,649, G>A on the plus strand (C>T on the coding strand, the complement: DICER1 is on the minus strand). VCF-style: chr14-95116649-G-A. GRCh37 (hg19) VCF-style: chr14-95582986-G-A.
Other names: c.1556C>T, p.Thr519Ile (NM_001195573.1, NM_001271282.3, NM_001291628.2 and 1 more transcripts); c.1556C>T (NM_177438.2); short protein forms T519I.
Identifiers: ClinVar variation 1494088 (VCV001494088.10), dbSNP rs2140125987, ClinGen allele CA390885085.

ClinVar aggregate classification (germline): Uncertain significance. Review status: criteria provided, multiple submitters, no conflicts (2 of 4 stars). 2 submissions from 2 submitters: Uncertain significance (2). Last evaluated 2024-05-04.

Conditions:
DICER1-related tumor predisposition. Also called: DICER1-related pleuropulmonary blastoma cancer predisposition syndrome; DICER1 syndrome. Identifiers: Orphanet 284343, MedGen C3839822, MONDO:0100216.
Hereditary cancer-predisposing syndrome. Also called: Neoplastic Syndromes, Hereditary; Tumor predisposition; Hereditary neoplastic syndrome; Hereditary Cancer Syndrome. Identifiers: Orphanet 140162, MedGen C0027672, MeSH D009386, MONDO:0015356.

Submissions (2):

Ambry Genetics
Classification: Uncertain significance for Hereditary cancer-predisposing syndrome. Last evaluated: 2024-05-04. Review status: criteria provided, single submitter. Criteria: Ambry Variant Classification Scheme 2023. Collection method: clinical testing. Allele origin: germline.
Comment: The p.T519I variant (also known as c.1556C>T), located in coding exon 9 of the DICER1 gene, results from a C to T substitution at nucleotide position 1556. The threonine at codon 519 is replaced by isoleucine, an amino acid with similar properties. This amino acid position is conserved. In addition, this alteration is predicted to be deleterious by in silico analysis. Based on the available evidence, the clinical significance of this variant remains unclear.

Labcorp Genetics (formerly Invitae), Labcorp
Classification: Uncertain significance for DICER1-related tumor predisposition. Last evaluated: 2021-12-22. Review status: criteria provided, single submitter. Criteria: Invitae Variant Classification Sherloc (09022015). Collection method: clinical testing. Allele origin: germline.
Comment: This sequence change replaces threonine, which is neutral and polar, with isoleucine, which is neutral and non-polar, at codon 519 of the DICER1 protein (p.Thr519Ile). In summary, the available evidence is currently insufficient to determine the role of this variant in disease. Therefore, it has been classified as a Variant of Uncertain Significance. Algorithms developed to predict the effect of missense changes on protein structure and function (SIFT, PolyPhen-2, Align-GVGD) all suggest that this variant is likely to be disruptive. This variant has not been reported in the literature in individuals affected with DICER1-related conditions. This variant is not present in population databases (gnomAD no frequency).